The following is an entry in ClinVar:

ClinVar aggregate classification (germline): Uncertain significance (1 of 4 stars; one submission).

Conditions:
Methylmalonic acidemia with homocystinuria, type cblX (MAHCX). Also called: INTELLECTUAL DEVELOPMENTAL DISORDER, X-LINKED 3. Identifiers: Orphanet 369962, MedGen C0796208, MONDO:0010657, OMIM 309541.

Allele frequency attached by ClinVar (database versions not stated): gnomAD exomes below 0.00001.
gnomAD v4.1: 1 of 1,209,452 alleles (0.000083%); highest among the groups gnomAD compares: Non-Finnish European, 0.00011%; no homozygotes.

Submission:

Baylor Genetics
Classification: Uncertain significance for Methylmalonic acidemia with homocystinuria, type cblX. Last evaluated: 2020-01-02. Review status: criteria provided, single submitter. Criteria: ACMG Guidelines, 2015. Collection method: clinical testing. Allele origin: unknown. Affected: yes.
Comment: This variant was determined to be of uncertain significance according to ACMG Guidelines, 2015 [PMID:25741868].

NM_005334.3(HCFC1):c.4291C>T (p.His1431Tyr)

Gene: HCFC1 (host cell factor C1; minus strand). Cytogenetic location: Xq28.
Variant type: single nucleotide variant.
Coding change: c.4291C>T on transcript NM_005334.3 (MANE Select); coding-DNA position 4291, C replaced by T.
Protein change: p.His1431Tyr; replaces histidine 1431 with tyrosine.
Molecular consequence: missense variant.
Genome position (GRCh38, 1-based): chrX:153,954,108, G>A on the plus strand (C>T on the coding strand, the complement: HCFC1 is on the minus strand). VCF-style: chrX-153954108-G-A. GRCh37 (hg19) VCF-style: chrX-153219559-G-A.
Other names: short protein forms H1431Y.
Identifiers: ClinVar variation 1028363 (VCV001028363.1), dbSNP rs2065343736, ClinGen allele CA415115962.